The following is an entry in ClinVar:

ClinVar aggregate classification (germline): Likely pathogenic (1 of 4 stars; one submission).

Conditions:
Pontocerebellar hypoplasia type 9. Identifiers: Orphanet 369920, MedGen C4014354, MONDO:0014351, OMIM 615809.
Hereditary spastic paraplegia 63. Also called: Spastic paraplegia 63, autosomal recessive. Identifiers: Orphanet 401805, MedGen C3810295, MONDO:0014305, OMIM 615686.

Submission:

Kariminejad - Najmabadi Pathology & Genetics Center
Classification: Likely pathogenic for Hereditary spastic paraplegia 63; Pontocerebellar hypoplasia type 9. Last evaluated: 2024-07-21. Review status: criteria provided, single submitter. Criteria: ACMG Guidelines, 2015. Collection method: clinical testing. Allele origin: germline. Inheritance: Autosomal recessive inheritance. Affected: yes.
Comment: Not Provided

NM_001368809.2(AMPD2):c.1325del (p.Pro442fs)

Genes: AMPD2 (adenosine monophosphate deaminase 2; plus strand), LOC126805822 (BRD4-independent group 4 enhancer GRCh37_chr1:110170748-110171947; plus strand). Cytogenetic location: 1p13.3.
Variant type: Deletion.
Coding change: c.1325del on transcript NM_001368809.2 (MANE Select); coding-DNA position 1325, one base deleted (C; older notation c.1325delC).
Protein change: p.Pro442fs; shifts the reading frame from proline 442.
Molecular consequence: frameshift variant.
Genome position (GRCh38, 1-based): chr1:109,628,413, C deleted; the last of 3 consecutive C bases (chr1:109,628,411-109,628,413); deleting any one gives the same sequence. VCF-style (leftmost placement, unchanged base first): chr1-109628410-AC-A. GRCh37 (hg19) VCF-style: chr1-110171032-AC-A.
Other names: c.1133del, p.Pro378fs (NM_001257361.2); c.1262del, p.Pro421fs (NM_001308170.1); c.1325del, p.Pro442fs (NM_004037.9); c.1244del, p.Pro415fs (NM_139156.4); c.1325delC (NM_004037.9); short protein forms P378fs, P415fs, P421fs, P442fs.
Identifiers: ClinVar variation 3896775 (VCV003896775.1).
Genomic context (GRCh38, chr1:109,628,410, plus strand): 5'-CCCATGTCCCCCAGGACAGGAACACTTTCCATCGCTTTGACAAGTTTAATGCCAAATACA[AC>A]CCTATTGGGGAGTCCGTCCTCCGAGAGATCTTCATCAAGACGGACAACAGGGTATCTGGG-3'